The following is an entry in ClinVar:

NM_000136.3(FANCC):c.1298G>A (p.Arg433His)

Genes: FANCC (FA complementation group C; minus strand), AOPEP (aminopeptidase O (putative); plus strand). Cytogenetic location: 9q22.32.
Variant type: single nucleotide variant.
Coding change: c.1298G>A on transcript NM_000136.3 (MANE Select); coding-DNA position 1298, G replaced by A.
Protein change: p.Arg433His; replaces arginine 433 with histidine.
Molecular consequence: missense variant.
Genome position (GRCh38, 1-based): chr9:95,111,494, C>T on the plus strand (G>A on the coding strand, the complement: FANCC is on the minus strand). VCF-style: chr9-95111494-C-T. GRCh37 (hg19) VCF-style: chr9-97873776-C-T.
Other names: c.1298G>A, p.Arg433His (NM_001243743.2, NM_001243744.2); short protein forms R433H.
Identifiers: ClinVar variation 577443 (VCV000577443.20), dbSNP rs768676102, ClinGen allele CA5137402.

ClinVar aggregate classification (germline): Uncertain significance. Review status: criteria provided, multiple submitters, no conflicts (2 of 4 stars). 4 submissions from 4 submitters: Uncertain significance (3). 1 of the submissions does not count toward it. Last evaluated 2025-06-21.

Conditions:
Hereditary cancer-predisposing syndrome. Also called: Tumor predisposition; Hereditary neoplastic syndrome; Hereditary Cancer Syndrome; Neoplastic Syndromes, Hereditary. Identifiers: Orphanet 140162, MedGen C0027672, MeSH D009386, MONDO:0015356.
Fanconi anemia (FA). Also called: Fanconi's anemia. Identifiers: Orphanet 84, MedGen C0015625, MeSH D005199, MONDO:0019391.

Allele frequency attached by ClinVar (database versions not stated): gnomAD 0.00001; gnomAD exomes 0.00001 and 0.00002; TOPMed 0.00001; ExAC 0.00002.
gnomAD v4.1: 13 of 1,613,744 alleles (0.00081%); highest among the groups gnomAD compares: South Asian, 0.0033%; no homozygotes.

Submissions (4):

Ambry Genetics
Classification: Uncertain significance for Hereditary cancer-predisposing syndrome. Last evaluated: 2025-06-21. Review status: criteria provided, single submitter. Criteria: Ambry Variant Classification Scheme 2023. Collection method: clinical testing. Allele origin: germline.
Comment: The p.R433H variant (also known as c.1298G>A), located in coding exon 12 of the FANCC gene, results from a G to A substitution at nucleotide position 1298. The arginine at codon 433 is replaced by histidine, an amino acid with highly similar properties. This amino acid position is poorly conserved in available vertebrate species. In addition, this alteration is predicted to be tolerated by in silico analysis. Since supporting evidence is limited at this time, the clinical significance of this alteration remains unclear.

Labcorp Genetics (formerly Invitae), Labcorp
Classification: Uncertain significance for Fanconi anemia. Last evaluated: 2023-10-13. Review status: criteria provided, single submitter. Criteria: Invitae Variant Classification Sherloc (09022015). Collection method: clinical testing. Allele origin: germline.
Comment: This sequence change replaces arginine, which is basic and polar, with histidine, which is basic and polar, at codon 433 of the FANCC protein (p.Arg433His). This variant is present in population databases (rs768676102, gnomAD 0.003%). This variant has not been reported in the literature in individuals affected with FANCC-related conditions. ClinVar contains an entry for this variant (Variation ID: 577443). Advanced modeling of protein sequence and biophysical properties (such as structural, functional, and spatial information, amino acid conservation, physicochemical variation, residue mobility, and thermodynamic stability) performed at Invitae indicates that this missense variant is not expected to disrupt FANCC protein function. In summary, the available evidence is currently insufficient to determine the role of this variant in disease. Therefore, it has been classified as a Variant of Uncertain Significance.

Genetic Services Laboratory, University of Chicago
Classification: Uncertain significance. Last evaluated: 2021-01-05. Review status: criteria provided, single submitter. Criteria: ACMG Guidelines, 2015. Collection method: clinical testing. Allele origin: germline. Affected: no.
Comment: This sequence change does not appear to have been previously described in patients with FANCC-related disorders and has been described in the gnomAD database with a low population frequency of 0.0016% (dbSNP rs768676102). The p.Arg433His change affects a poorly conserved amino acid residue located in a domain of the FANCC protein that is known to be functional. The p.Arg433His substitution appears to be benign using several in-silico pathogenicity prediction tools (SIFT, PolyPhen2, Align GVGD, REVEL). Due to these contrasting evidences and the lack of functional studies, the clinical significance of the p.Arg433His change remains unknown at this time.

Natera, Inc.
Classification: Uncertain significance for Fanconi anemia. Last evaluated: 2020-03-04. Review status: no assertion criteria provided. Collection method: clinical testing. Allele origin: germline. Not counted in ClinVar's aggregate classification.